The following is an entry in ClinVar:

NM_170707.4(LMNA):c.1092C>T (p.Asp364=)

Gene: LMNA (lamin A/C; plus strand). Cytogenetic location: 1q22.
Variant type: single nucleotide variant.
Coding change: c.1092C>T on transcript NM_170707.4 (MANE Select); coding-DNA position 1092, C replaced by T.
Protein change: p.Asp364=; no amino-acid change (aspartic acid 364 retained).
Molecular consequence: synonymous variant.
Genome position (GRCh38, 1-based): chr1:156,136,056, C>T. VCF-style: chr1-156136056-C-T. GRCh37 (hg19) VCF-style: chr1-156105847-C-T.
Other names: c.756C>T, p.Asp252= (NM_001257374.3); c.849C>T, p.Asp283= (NM_001282624.2); c.1092C>T, p.Asp364= (NM_001282625.2, NM_001282626.2, NM_005572.4 and 1 more transcripts).
Identifiers: ClinVar variation 917026 (VCV000917026.13), dbSNP rs776589077, ClinGen allele CA048940.

ClinVar aggregate classification (germline): Likely benign. Review status: criteria provided, multiple submitters, no conflicts (2 of 4 stars). 5 submissions from 5 submitters: Likely benign (5). Last evaluated 2026-01-27.

Conditions:
Charcot-Marie-Tooth disease. Also called: Charcot-Marie-Tooth Hereditary Neuropathy; Charcot-Marie-Tooth Neuropathy. Identifiers: Orphanet 166, MedGen C0007959, MONDO:0015626.
Charcot-Marie-Tooth disease type 2. Also called: Charcot-Marie-Tooth type 2. Identifiers: Orphanet 64746, MedGen C0270914, MONDO:0018993.
Cardiomyopathy (CMYO). Also called: Cardiomyopathies. Identifiers: Orphanet 167848, MedGen C0878544, MONDO:0004994, HP:0001638. Inheritance: Various modes of inheritance.
Primary dilated cardiomyopathy (DCM). Also called: Dilated Cardiomyopathy. Identifiers: Orphanet 217604, MedGen C0007193, MeSH D002311, MONDO:0005021, HP:0001644. Inheritance: Various modes of inheritance.
Cardiovascular phenotype. Identifiers: MedGen CN230736.

Allele frequency attached by ClinVar (database versions not stated): ExAC 0.00001; gnomAD exomes 0.00001.
gnomAD v4.1: 12 of 1,614,116 alleles (0.00074%); highest among the groups gnomAD compares: South Asian, 0.0011%; no homozygotes.

Submissions (5):

Labcorp Genetics (formerly Invitae), Labcorp
Classification: Likely benign for Charcot-Marie-Tooth disease type 2. Last evaluated: 2026-01-27. Review status: criteria provided, single submitter. Criteria: Invitae Variant Classification Sherloc (09022015). Collection method: clinical testing. Allele origin: germline.

Ambry Genetics
Classification: Likely benign for Cardiovascular phenotype. Last evaluated: 2025-02-20. Review status: criteria provided, single submitter. Criteria: Ambry Variant Classification Scheme 2023. Collection method: clinical testing. Allele origin: germline.

All of Us Research Program, National Institutes of Health
Classification: Likely benign for Primary dilated cardiomyopathy. Last evaluated: 2024-05-14. Review status: criteria provided, single submitter. Criteria: ACMG Guidelines, 2015. Collection method: clinical testing. Allele origin: germline. Inheritance: Autosomal dominant inheritance. Observed: 9 variant alleles, 9 heterozygotes.
Comment: This study involves interpretation of variants in research participants for the purpose of population health screening. Participant phenotype was not available at the time of variant classification. Additional details can be found in publication PMID: 35346344, PMCID: PMC8962531

Color Diagnostics, LLC DBA Color Health
Classification: Likely benign for Cardiomyopathy. Last evaluated: 2019-10-07. Review status: criteria provided, single submitter. Criteria: ACMG Guidelines, 2015. Collection method: clinical testing. Allele origin: germline.

Molecular Genetics Laboratory, London Health Sciences Centre
Classification: Likely benign for Charcot-Marie-Tooth disease. Review status: criteria provided, single submitter. Criteria: ACMG Guidelines, 2015. Collection method: clinical testing. Allele origin: germline. Affected: yes.